The following is an entry in ClinVar:

NM_001242896.3(DEPDC5):c.3205C>T (p.Gln1069Ter)

Gene: DEPDC5 (DEP domain containing 5, GATOR1 subcomplex subunit; plus strand). Cytogenetic location: 22q12.3.
Variant type: single nucleotide variant.
Coding change: c.3205C>T on transcript NM_001242896.3 (MANE Select); coding-DNA position 3205, C replaced by T.
Protein change: p.Gln1069Ter; replaces glutamine 1069 with a stop codon.
Molecular consequence: nonsense. On other transcripts: non-coding transcript variant (5).
Genome position (GRCh38, 1-based): chr22:31,857,494, C>T. VCF-style: chr22-31857494-C-T. GRCh37 (hg19) VCF-style: chr22-32253480-C-T.
Other names: c.3178C>T, p.Gln1060Ter (NM_001136029.4, NM_001369903.1, NM_014662.6); c.2971C>T, p.Gln991Ter (NM_001242897.2, NM_001363854.2, NM_001364319.2); c.3205C>T, p.Gln1069Ter (NM_001363852.2, NM_001364318.2, NM_001364320.2); c.3121C>T, p.Gln1041Ter (NM_001369901.1, NM_001369902.1); short protein forms Q1041*, Q1060*, Q1069*, Q991*.
Identifiers: ClinVar variation 1069404 (VCV001069404.7), dbSNP rs2149117486, ClinGen allele CA411293785.

ClinVar aggregate classification (germline): Pathogenic (1 of 4 stars; one submission).

Conditions:
Familial focal epilepsy with variable foci (FPEVF). Identifiers: Orphanet 98820, MedGen C1858477, MONDO:0020310.

Submission:

Labcorp Genetics (formerly Invitae), Labcorp
Classification: Pathogenic for Familial focal epilepsy with variable foci. Last evaluated: 2020-02-18. Review status: criteria provided, single submitter. Criteria: Invitae Variant Classification Sherloc (09022015). Collection method: clinical testing. Allele origin: germline.
Comment: This sequence change creates a premature translational stop signal (p.Gln1069*) in the DEPDC5 gene. It is expected to result in an absent or disrupted protein product. This variant is not present in population databases (ExAC no frequency). This variant has not been reported in the literature in individuals with DEPDC5-related conditions. Loss-of-function variants in DEPDC5 are known to be pathogenic (PMID: 23542697, 23542701). For these reasons, this variant has been classified as Pathogenic.

Literature cited by the submitters: PubMed 23542697; PubMed 23542701.